The following is an entry in ClinVar:

ClinVar aggregate classification (germline): Uncertain significance (1 of 4 stars; one submission).

Submission:

ISCA Site 6
Classification: Uncertain significance. Last evaluated: 2011-08-12. Review status: criteria provided, single submitter. Criteria: Kaminsky et al. (Genet Med. 2011). Collection method: clinical testing. Allele origin: paternal. Affected: yes. Observed: 1 variant allele.
Comment: Copy number variation identified through the course of routine clinical cytogenomic testing in postnatal populations. Clinical assertions have been curated as described in Kaminsky et al. 2011.

GRCh38/hg38 16p13.11-12.3(chr16:15299037-18267893)x3

Genes: ABCC1 (ATP binding cassette subfamily C member 1 (ABCC1 blood group); plus strand), ABCC6 (ATP binding cassette subfamily C member 6; minus strand), BMERB1 (bMERB domain containing 1; plus strand), CEP20 (centrosomal protein 20; minus strand), MARF1 (meiosis regulator and mRNA stability factor 1; minus strand) and 63 more. Cytogenetic location: 16p13.11-12.3.
Variant type: copy number gain.
Change: copy number 3 (three copies instead of two) of chr16:15,299,037-18,267,893 (2.97 Mb, GRCh38 coordinates, 1-based), cytogenetic band 16p13.11-12.3.
Identifiers: ClinVar variation 59273 (VCV000059273.3).